The following is an entry in ClinVar:

ClinVar aggregate classification (germline): Pathogenic (1 of 4 stars; one submission).

Conditions:
Hypotrichosis 8 (HYPT8). Also called: HYPOTRICHOSIS, LOCALIZED, AUTOSOMAL RECESSIVE 3. Identifiers: Orphanet 55654, MedGen C3279470, MONDO:0010206, OMIM 278150.

Allele frequency attached by ClinVar (database versions not stated): gnomAD exomes below 0.00001.

Submission:

Diagnostics Services (NGS), CSIR - Centre For Cellular And Molecular Biology
Classification: Pathogenic for Hypotrichosis 8. Last evaluated: 2022-09-07. Review status: criteria provided, single submitter. Criteria: ACMG Guidelines, 2015. Collection method: clinical testing. Allele origin: unknown. Affected: yes. Observed: 1 variant allele, 1 homozygote.
Comment: The c.207_210dup variant is not present in publicly available population databases like 1000 Genomes, EVS, ExAC, gnomAD, Indian Exome Database or our in-house exome database. The variant has not been previously reported to ClinVar, Human Genome Mutation Database (HGMD) or OMIM databases in any affected individuals. In-silico pathogenicity prediction programs like MutationTaster2, CADD, Varsome, Franklin etc. predicted this variant to be likely deleterious. The variant causes frameshift at the 71st amino acid of the wild-type transcript, creating a translational premature stop signal at the 91st amino acid position of the altered transcript, which may either result in translation of a truncated protein or causes nonsense mediated decay of the mRNA.

NM_001162498.3(LPAR6):c.207_210dup (p.Pro71fs)

Genes: LPAR6 (lysophosphatidic acid receptor 6; minus strand), RB1 (RB transcriptional corepressor 1; plus strand). Cytogenetic location: 13q14.2.
Variant type: Duplication.
Coding change: c.207_210dup on transcript NM_001162498.3 (MANE Select); coding-DNA positions 207 to 210, 4 bases duplicated (TTTA; older notation c.207_210dupTTTA).
Protein change: p.Pro71fs; shifts the reading frame from proline 71.
Molecular consequence: frameshift variant. On other transcripts: intron variant (2).
Genome position (GRCh38, 1-based): chr13:48,412,214-48,412,217, TAAA duplicated on the plus strand (TTTA on the coding strand, the reverse complement: LPAR6 is on the minus strand). VCF-style (leftmost placement, unchanged base first): chr13-48412213-G-GTAAA. GRCh37 (hg19) VCF-style: chr13-48986349-G-GTAAA.
Other names: c.207_210dup, p.Pro71fs (NM_001162497.3, NM_001377316.2, NM_001377317.2 and 1 more transcripts); c.1695+30771_1695+30774dup (NM_001407165.1, NM_000321.3); short protein forms P71fs.
Identifiers: ClinVar variation 1802233 (VCV001802233.3), dbSNP rs2542261609, ClinGen allele CA2580087576.